The following is an entry in ClinVar:

ClinVar aggregate classification (germline): Likely benign. Review status: criteria provided, multiple submitters, no conflicts (2 of 4 stars). 2 submissions from 2 submitters: Likely benign (2). Last evaluated 2024-06-27.

Conditions:
Malignant hyperthermia, susceptibility to, 5 (MHS5). Also called: CACNA1S-Related Malignant Hyperthermia Susceptibility. Identifiers: Orphanet 423, MedGen C1866077, MONDO:0011163, OMIM 601887.
Hypokalemic periodic paralysis, type 1. Also called: Hypokalemic Periodic Paralysis Type 1 (AD); HypoPP. Identifiers: Orphanet 681, MedGen C3714580, MONDO:0042979, OMIM 170400.

Allele frequency attached by ClinVar (database versions not stated): ExAC 0.00001; gnomAD exomes 0.00001; TOPMed 0.00005; gnomAD 0.00006.
gnomAD v4.1: 18 of 1,614,030 alleles (0.0011%); highest among the groups gnomAD compares: African/African-American, 0.016%; no homozygotes.

Submissions (2):

Labcorp Genetics (formerly Invitae), Labcorp
Classification: Likely benign for Hypokalemic periodic paralysis, type 1; Malignant hyperthermia, susceptibility to, 5. Last evaluated: 2024-06-27. Review status: criteria provided, single submitter. Criteria: Invitae Variant Classification Sherloc (09022015). Collection method: clinical testing. Allele origin: germline.

All of Us Research Program, National Institutes of Health
Classification: Likely benign for Malignant hyperthermia, susceptibility to, 5. Last evaluated: 2024-02-05. Review status: criteria provided, single submitter. Criteria: ACMG Guidelines, 2015. Collection method: clinical testing. Allele origin: germline. Inheritance: Autosomal dominant inheritance. Observed: 3 variant alleles, 3 heterozygotes.
Comment: This study involves interpretation of variants in research participants for the purpose of population health screening. Participant phenotype was not available at the time of variant classification. Additional details can be found in publication PMID: 35346344, PMCID: PMC8962531

NM_000069.3(CACNA1S):c.516C>T (p.Pro172=)

Gene: CACNA1S (calcium voltage-gated channel subunit alpha1 S; minus strand). Cytogenetic location: 1q32.1.
Variant type: single nucleotide variant.
Coding change: c.516C>T on transcript NM_000069.3 (MANE Select); coding-DNA position 516, C replaced by T.
Protein change: p.Pro172=; no amino-acid change (proline 172 retained).
Molecular consequence: synonymous variant.
Genome position (GRCh38, 1-based): chr1:201,091,997, G>A on the plus strand (C>T on the coding strand, the complement: CACNA1S is on the minus strand). VCF-style: chr1-201091997-G-A. GRCh37 (hg19) VCF-style: chr1-201061125-G-A.
Identifiers: ClinVar variation 747356 (VCV000747356.9), dbSNP rs779274568, ClinGen allele CA083752.